The following is an entry in ClinVar:

ClinVar aggregate classification (germline): Conflicting classifications of pathogenicity. Review status: criteria provided, conflicting classifications (1 of 4 stars). 2 submissions from 2 submitters: Pathogenic (1); Uncertain significance (1). Last evaluated 2025-12-18.

Allele frequency attached by ClinVar (database versions not stated): TOPMed below 0.00001.
gnomAD v4.1: 10 of 1,614,110 alleles (0.00062%); highest among the groups gnomAD compares: Admixed American, 0.005%; no homozygotes.

Submissions (2):

Women's Health and Genetics/Laboratory Corporation of America, LabCorp
Classification: Uncertain significance. Last evaluated: 2025-12-18. Review status: criteria provided, single submitter. Criteria: LabCorp Variant Classification Summary - May 2015. Collection method: clinical testing. Allele origin: germline.
Comment: Variant summary: ALOX12B c.1462C>T (p.Arg488Cys) results in a non-conservative amino acid change in the encoded protein sequence. Algorithms developed to predict the effect of missense changes on protein structure and function all suggest that this variant is likely to be disruptive. The variant was absent in 251326 control chromosomes. c.1462C>T has been observed in individuals affected with congenital Ichthyosis (Sun_2022, internal data). These data do not allow any conclusion about variant significance. A different variant affecting the same codon has been classified as pathogenic by our lab (c.1463G>A, p.Arg488His), supporting the critical relevance of codon 488 to ALOX12B protein function. To our knowledge, no experimental evidence demonstrating an impact on protein function has been reported. The following publication has been ascertained in the context of this evaluation (PMID: 34851365). ClinVar contains an entry for this variant (Variation ID: 2872870). Based on the evidence outlined above, the variant was classified as VUS-possibly pathogenic.

Labcorp Genetics (formerly Invitae), Labcorp
Classification: Pathogenic. Last evaluated: 2024-11-14. Review status: criteria provided, single submitter. Criteria: Invitae Variant Classification Sherloc (09022015). Collection method: clinical testing. Allele origin: germline.
Comment: This sequence change replaces arginine, which is basic and polar, with cysteine, which is neutral and slightly polar, at codon 488 of the ALOX12B protein (p.Arg488Cys). This variant is not present in population databases (gnomAD no frequency). This missense change has been observed in individual(s) with clinical features of congenital ichthyosis (PMID: 34851365; internal data). In at least one individual the data is consistent with being in trans (on the opposite chromosome) from a pathogenic variant. ClinVar contains an entry for this variant (Variation ID: 2872870). Invitae Evidence Modeling of protein sequence and biophysical properties (such as structural, functional, and spatial information, amino acid conservation, physicochemical variation, residue mobility, and thermodynamic stability) has been performed for this missense variant. However, the output from this modeling did not meet the statistical confidence thresholds required to predict the impact of this variant on ALOX12B protein function. This variant disrupts the p.Arg488 amino acid residue in ALOX12B. Other variant(s) that disrupt this residue have been determined to be pathogenic (PMID: 16116617, 16792775). This suggests that this residue is clinically significant, and that variants that disrupt this residue are likely to be disease-causing. For these reasons, this variant has been classified as Pathogenic.

Literature cited by the submitters: PubMed 34851365 (cited by Women's Health and Genetics/Laboratory Corporation of America, LabCorp and Labcorp Genetics (formerly Invitae), Labcorp); PubMed 16116617 (cited by Labcorp Genetics (formerly Invitae), Labcorp); PubMed 16792775 (cited by Labcorp Genetics (formerly Invitae), Labcorp).

NM_001139.3(ALOX12B):c.1462C>T (p.Arg488Cys)

Gene: ALOX12B (arachidonate 12-lipoxygenase, 12R type; minus strand). Cytogenetic location: 17p13.1.
Variant type: single nucleotide variant.
Coding change: c.1462C>T on transcript NM_001139.3 (MANE Select); coding-DNA position 1462, C replaced by T.
Protein change: p.Arg488Cys; replaces arginine 488 with cysteine.
Molecular consequence: missense variant.
Genome position (GRCh38, 1-based): chr17:8,076,245, G>A on the plus strand (C>T on the coding strand, the complement: ALOX12B is on the minus strand). VCF-style: chr17-8076245-G-A. GRCh37 (hg19) VCF-style: chr17-7979563-G-A.
Other names: short protein forms R488C.
Identifiers: ClinVar variation 2872870 (VCV002872870.4), dbSNP rs1221632429, ClinGen allele CA397990490.
Genomic context (GRCh38, chr17:8,076,245, plus strand): 5'-CATTCCACACCGCCAAGCTGTCATCGCGGTAGTAATATCCAGGCAGGTCCTGGACCCCAC[G>A]CTCCACAAAGTCATTGGGGAGGTAGAGGCTGTCATAGGTGAGCTCCGACAGAGCCCGTAC-3'
Protein context (NP_001130.1, residues 478-498): SLYLPNDFVE[Arg488Cys]GVQDLPGYYY